The following is an entry in ClinVar:

NM_004370.6(COL12A1):c.6370A>G (p.Ile2124Val)

Gene: COL12A1 (collagen type XII alpha 1 chain; minus strand). Cytogenetic location: 6q13.
Variant type: single nucleotide variant.
Coding change: c.6370A>G on transcript NM_004370.6 (MANE Select); coding-DNA position 6370, A replaced by G.
Protein change: p.Ile2124Val; replaces isoleucine 2124 with valine.
Molecular consequence: missense variant.
Genome position (GRCh38, 1-based): chr6:75,126,441, T>C on the plus strand (A>G on the coding strand, the complement: COL12A1 is on the minus strand). VCF-style: chr6-75126441-T-C. GRCh37 (hg19) VCF-style: chr6-75836157-T-C.
Other names: c.2878A>G, p.Ile960Val (NM_080645.3); short protein forms I2124V, I960V.
Identifiers: ClinVar variation 1425133 (VCV001425133.9), dbSNP rs1339963289, ClinGen allele CA364730165.
Genomic context (GRCh38, chr6:75,126,441, plus strand): 5'-GAACTGGAGAAGGTGAAGGATCCCAGGACACCCTGAATCTTGTATACCATTCGTCAGAGA[T>C]GTGTATGTTCTGAGGAGGAAGGAGTCCCACTGAAAACAAACATTGACACACATTACTGAC-3'
Protein context (NP_004361.3, residues 2114-2134): VGLLPPQNIH[Ile2124Val]SDEWYTRFRV

ClinVar aggregate classification (germline): Uncertain significance. Review status: criteria provided, multiple submitters, no conflicts (2 of 4 stars). 2 submissions from 2 submitters: Uncertain significance (2). Last evaluated 2025-12-15.

Conditions:
Ullrich congenital muscular dystrophy 2 (UCMD2). Identifiers: Orphanet 75840, MedGen C4225314, MONDO:0014654, OMIM 616470.
Bethlem myopathy 2 (BTHLM2). Identifiers: Orphanet 536516, Orphanet 610, MedGen C4225313, MONDO:0034022, OMIM 616471.

Allele frequency attached by ClinVar (database versions not stated): gnomAD 0.00001; gnomAD exomes 0.00001.
gnomAD v4.1: 11 of 1,611,188 alleles (0.00068%); highest among the groups gnomAD compares: Non-Finnish European, 0.00093%; no homozygotes.

Submissions (2):

Labcorp Genetics (formerly Invitae), Labcorp
Classification: Uncertain significance for Bethlem myopathy 2; Ullrich congenital muscular dystrophy 2. Last evaluated: 2025-12-15. Review status: criteria provided, single submitter. Criteria: Invitae Variant Classification Sherloc (09022015). Collection method: clinical testing. Allele origin: germline.
Comment: This sequence change replaces isoleucine, which is neutral and non-polar, with valine, which is neutral and non-polar, at codon 2124 of the COL12A1 protein (p.Ile2124Val). This variant is present in population databases (no rsID available, gnomAD 0.007%). This variant has not been reported in the literature in individuals affected with COL12A1-related conditions. ClinVar contains an entry for this variant (Variation ID: 1425133). Invitae Evidence Modeling of protein sequence and biophysical properties (such as structural, functional, and spatial information, amino acid conservation, physicochemical variation, residue mobility, and thermodynamic stability) indicates that this missense variant is not expected to disrupt COL12A1 protein function with a negative predictive value of 80%. In summary, the available evidence is currently insufficient to determine the role of this variant in disease. Therefore, it has been classified as a Variant of Uncertain Significance.

Revvity Omics, Revvity
Classification: Uncertain significance. Last evaluated: 2023-11-07. Review status: criteria provided, single submitter. Criteria: ACMG Guidelines, 2015. Collection method: clinical testing. Allele origin: germline.